The following is an entry in ClinVar:

ClinVar aggregate classification (germline): Uncertain significance (1 of 4 stars; one submission).

Submission:

Ambry Genetics
Classification: Uncertain significance. Last evaluated: 2024-07-03. Review status: criteria provided, single submitter. Criteria: Ambry Variant Classification Scheme 2023. Collection method: clinical testing. Allele origin: germline.
Comment: The p.A1569T variant (also known as c.4705G>A), located in coding exon 16 of the POLQ gene, results from a G to A substitution at nucleotide position 4705. The alanine at codon 1569 is replaced by threonine, an amino acid with similar properties. This amino acid position is conserved. In addition, this alteration is predicted to be tolerated by in silico analysis. Based on the available evidence, the clinical significance of this variant remains unclear.

NM_199420.4(POLQ):c.4705G>A (p.Ala1569Thr)

Gene: POLQ (DNA polymerase theta; minus strand). Cytogenetic location: 3q13.33.
Variant type: single nucleotide variant.
Coding change: c.4705G>A on transcript NM_199420.4 (MANE Select); coding-DNA position 4705, G replaced by A.
Protein change: p.Ala1569Thr; replaces alanine 1569 with threonine.
Molecular consequence: missense variant.
Genome position (GRCh38, 1-based): chr3:121,488,226, C>T on the plus strand (G>A on the coding strand, the complement: POLQ is on the minus strand). VCF-style: chr3-121488226-C-T. GRCh37 (hg19) VCF-style: chr3-121207073-C-T.
Other names: short protein forms A1569T.
Identifiers: ClinVar variation 3422404 (VCV003422404.1).